The following is an entry in ClinVar:

ClinVar aggregate classification (germline): Uncertain significance. Review status: criteria provided, multiple submitters, no conflicts (2 of 4 stars). 4 submissions from 4 submitters: Uncertain significance (4). Last evaluated 2025-07-29.

Conditions:
Hereditary nonpolyposis colorectal neoplasms. Identifiers: MedGen C0009405, MeSH D003123.
Breast-ovarian cancer, familial, susceptibility to, 1 (BROVCA1). Also called: OVARIAN CANCER, SUSCEPTIBILITY TO; BRCA1 Hereditary Breast and Ovarian Cancer. Identifiers: Orphanet 145, MedGen C2676676, MONDO:0011450, OMIM 604370. Disease mechanism: loss of function.
Hereditary cancer-predisposing syndrome. Also called: Hereditary neoplastic syndrome; Tumor predisposition; Hereditary Cancer Syndrome; Neoplastic Syndromes, Hereditary. Identifiers: Orphanet 140162, MedGen C0027672, MeSH D009386, MONDO:0015356.

Submissions (4):

Institute of Immunology and Genetics Kaiserslautern
Classification: Uncertain significance for Breast-ovarian cancer, familial, susceptibility to, 1. Last evaluated: 2025-07-29. Review status: criteria provided, single submitter. Criteria: ACMG Guidelines, 2015. Collection method: clinical testing. Allele origin: germline. Affected: no.
Comment: ACMG Criteria: PM2_P, PP3.

Ambry Genetics
Classification: Uncertain significance for Hereditary cancer-predisposing syndrome. Last evaluated: 2024-05-04. Review status: criteria provided, single submitter. Criteria: Ambry Variant Classification Scheme 2023. Collection method: clinical testing. Allele origin: germline.
Comment: The p.W105S variant (also known as c.314G>C), located in coding exon 2 of the MSH6 gene, results from a G to C substitution at nucleotide position 314. The tryptophan at codon 105 is replaced by serine, an amino acid with highly dissimilar properties. This amino acid position is conserved. In addition, this alteration is predicted to be deleterious by in silico analysis. Based on the available evidence, the clinical significance of this variant remains unclear.

Color Diagnostics, LLC DBA Color Health
Classification: Uncertain significance for Hereditary cancer-predisposing syndrome. Last evaluated: 2023-12-05. Review status: criteria provided, single submitter. Criteria: ACMG Guidelines, 2015. Collection method: clinical testing. Allele origin: germline.
Comment: This missense variant replaces tryptophan with serine at codon 105 of the MSH6 protein. Computational prediction suggests that this variant may have deleterious impact on protein structure and function (internally defined REVEL score threshold >= 0.7, PMID: 27666373). To our knowledge, functional studies have not been reported for this variant. This variant has not been reported in individuals affected with MSH6-related disorders in the literature. This variant has not been identified in the general population by the Genome Aggregation Database (gnomAD). The available evidence is insufficient to determine the role of this variant in disease conclusively. Therefore, this variant is classified as a Variant of Uncertain Significance.

Labcorp Genetics (formerly Invitae), Labcorp
Classification: Uncertain significance for Hereditary nonpolyposis colorectal neoplasms. Last evaluated: 2020-07-08. Review status: criteria provided, single submitter. Criteria: Invitae Variant Classification Sherloc (09022015). Collection method: clinical testing. Allele origin: germline.
Comment: This sequence change replaces tryptophan with serine at codon 105 of the MSH6 protein (p.Trp105Ser). The tryptophan residue is highly conserved and there is a large physicochemical difference between tryptophan and serine. This variant is not present in population databases (ExAC no frequency). This variant has not been reported in the literature in individuals with MSH6-related conditions. ClinVar contains an entry for this variant (Variation ID: 630998). Algorithms developed to predict the effect of missense changes on protein structure and function (SIFT, PolyPhen-2, Align-GVGD) all suggest that this variant is likely to be disruptive, but these predictions have not been confirmed by published functional studies and their clinical significance is uncertain. In summary, the available evidence is currently insufficient to determine the role of this variant in disease. Therefore, it has been classified as a Variant of Uncertain Significance.

NM_000179.3(MSH6):c.314G>C (p.Trp105Ser)

Gene: MSH6 (mutS homolog 6; plus strand). Cytogenetic location: 2p16.3.
Variant type: single nucleotide variant.
Coding change: c.314G>C on transcript NM_000179.3 (MANE Select); coding-DNA position 314, G replaced by C.
Protein change: p.Trp105Ser; replaces tryptophan 105 with serine.
Molecular consequence: missense variant. On other transcripts: 5 prime UTR variant (2), intron variant (1).
Genome position (GRCh38, 1-based): chr2:47,790,980, G>C. VCF-style: chr2-47790980-G-C. GRCh37 (hg19) VCF-style: chr2-48018119-G-C.
Other names: c.-423G>C (NM_001281493.2); c.-589G>C (NM_001281494.2); c.237+7510G>C (NM_001281492.2); short protein forms W105S.
Identifiers: ClinVar variation 630998 (VCV000630998.15), dbSNP rs1558651950, ClinGen allele CA346736850.